The following is an entry in ClinVar:

NM_001382391.1(CSPP1):c.959T>C (p.Met320Thr)

Gene: CSPP1 (centrosome and spindle pole associated protein 1; plus strand). Cytogenetic location: 8q13.2.
Variant type: single nucleotide variant.
Coding change: c.959T>C on transcript NM_001382391.1 (MANE Select); coding-DNA position 959, T replaced by C.
Protein change: p.Met320Thr; replaces methionine 320 with threonine.
Molecular consequence: missense variant. On other transcripts: intron variant (1).
Genome position (GRCh38, 1-based): chr8:67,103,072, T>C. VCF-style: chr8-67103072-T-C. GRCh37 (hg19) VCF-style: chr8-68015307-T-C.
Other names: c.104T>C, p.Met35Thr (NM_001291339.2); c.878T>C, p.Met293Thr (NM_001363131.2, NM_001363133.2); c.959T>C, p.Met320Thr (NM_001363132.2); c.1067T>C, p.Met356Thr (NM_001364869.1); c.986T>C, p.Met329Thr (NM_024790.7); c.951-2833T>C (NM_001364870.1); short protein forms M293T, M356T, M35T, M329T, M320T.
Identifiers: ClinVar variation 2053542 (VCV002053542.4), dbSNP rs1313170509, ClinGen allele CA371193798.

ClinVar aggregate classification (germline): Uncertain significance (1 of 4 stars; one submission).

Conditions:
Joubert syndrome 21 (JBTS21). Identifiers: MedGen C3810212, MONDO:0014288, OMIM 615636.

Allele frequency attached by ClinVar (database versions not stated): gnomAD exomes 0.00001; TOPMed 0.00001.
gnomAD v4.1: 3 of 1,611,882 alleles (0.00019%); highest among the groups gnomAD compares: Non-Finnish European, 0.00025%; no homozygotes.

Submission:

Labcorp Genetics (formerly Invitae), Labcorp
Classification: Uncertain significance for Joubert syndrome 21. Last evaluated: 2022-01-06. Review status: criteria provided, single submitter. Criteria: Invitae Variant Classification Sherloc (09022015). Collection method: clinical testing. Allele origin: germline.
Comment: In summary, the available evidence is currently insufficient to determine the role of this variant in disease. Therefore, it has been classified as a Variant of Uncertain Significance. Algorithms developed to predict the effect of missense changes on protein structure and function (SIFT, PolyPhen-2, Align-GVGD) all suggest that this variant is likely to be tolerated. This variant has not been reported in the literature in individuals affected with CSPP1-related conditions. This variant is not present in population databases (gnomAD no frequency). This sequence change replaces methionine, which is neutral and non-polar, with threonine, which is neutral and polar, at codon 329 of the CSPP1 protein (p.Met329Thr).